The following is an entry in ClinVar:

NM_000551.4(VHL):c.241C>A (p.Pro81Thr)

Gene: VHL (von Hippel-Lindau tumor suppressor; plus strand). Cytogenetic location: 3p25.3.
Variant type: single nucleotide variant.
Coding change: c.241C>A on transcript NM_000551.4 (MANE Select); coding-DNA position 241, C replaced by A.
Protein change: p.Pro81Thr; replaces proline 81 with threonine.
Molecular consequence: missense variant. On other transcripts: non-coding transcript variant (1).
Genome position (GRCh38, 1-based): chr3:10,142,088, C>A. VCF-style: chr3-10142088-C-A. GRCh37 (hg19) VCF-style: chr3-10183772-C-A.
Other names: c.241C>A, p.Pro81Thr (NM_001354723.2, NM_198156.3); short protein forms P81T.
Identifiers: ClinVar variation 4558169 (VCV004558169.2).

ClinVar aggregate classification (germline): Conflicting classifications of pathogenicity. Review status: criteria provided, conflicting classifications (1 of 4 stars). 2 submissions from 2 submitters: Likely pathogenic (1); Uncertain significance (1). Last evaluated 2025-11-07.

Conditions:
Von Hippel-Lindau syndrome (VHLS). Also called: VHL syndrome; Von Hippel-Lindau; von Hippel–Lindau syndrome. Identifiers: Orphanet 892, MedGen C0019562, MONDO:0008667, OMIM 193300. Disease mechanism: loss of function.
Chuvash polycythemia. Also called: POLYCYTHEMIA, VHL-DEPENDENT. Identifiers: Orphanet 238557, MedGen C1837915, MONDO:0009892, OMIM 263400.
Hereditary cancer-predisposing syndrome. Also called: Tumor predisposition; Hereditary Cancer Syndrome; Neoplastic Syndromes, Hereditary; Hereditary neoplastic syndrome. Identifiers: Orphanet 140162, MedGen C0027672, MeSH D009386, MONDO:0015356.

gnomAD v4.1: 1 of 1,605,344 alleles (0.000062%); highest among the groups gnomAD compares: Non-Finnish European, 0.000085%; no homozygotes.

Submissions (2):

Ambry Genetics
Classification: Uncertain significance for Hereditary cancer-predisposing syndrome. Last evaluated: 2025-11-07. Review status: criteria provided, single submitter. Criteria: Ambry Variant Classification Scheme 2023. Collection method: clinical testing. Allele origin: germline.
Comment: The p.P81T variant (also known as c.241C>A), located in coding exon 1 of the VHL gene, results from a C to A substitution at nucleotide position 241. The proline at codon 81 is replaced by threonine, an amino acid with highly similar properties. This variant was determined to be functionally neutral in one saturation genome editing assay (Buckley M et al. Nat Genet, 2024 Jul;56:1446-1455). This amino acid position is well conserved in available vertebrate species. In addition, the in silico prediction for this alteration is inconclusive. Based on the available evidence, the clinical significance of this variant remains unclear.

Labcorp Genetics (formerly Invitae), Labcorp
Classification: Likely pathogenic for Von Hippel-Lindau syndrome; Chuvash polycythemia. Last evaluated: 2025-03-21. Review status: criteria provided, single submitter. Criteria: Invitae Variant Classification Sherloc (09022015). Collection method: clinical testing. Allele origin: germline.
Comment: This sequence change replaces proline, which is neutral and non-polar, with threonine, which is neutral and polar, at codon 81 of the VHL protein (p.Pro81Thr). This variant is not present in population databases (gnomAD no frequency). This variant has not been reported in the literature in individuals affected with VHL-related conditions. Invitae Evidence Modeling of protein sequence and biophysical properties (such as structural, functional, and spatial information, amino acid conservation, physicochemical variation, residue mobility, and thermodynamic stability) indicates that this missense variant is expected to disrupt VHL protein function with a positive predictive value of 95%. This variant disrupts the p.Pro81 amino acid residue in VHL. Other variant(s) that disrupt this residue have been determined to be pathogenic (PMID: 17102082, 21389259, 22241717, 24134185, 27730413; internal data). This suggests that this residue is clinically significant, and that variants that disrupt this residue are likely to be disease-causing. In summary, the currently available evidence indicates that the variant is pathogenic, but additional data are needed to prove that conclusively. Therefore, this variant has been classified as Likely Pathogenic.

Literature cited by the submitters: PubMed 38969834 (cited by Ambry Genetics); PubMed 17102082 (cited by Labcorp Genetics (formerly Invitae), Labcorp); PubMed 21389259 (cited by Labcorp Genetics (formerly Invitae), Labcorp); PubMed 22241717 (cited by Labcorp Genetics (formerly Invitae), Labcorp); PubMed 24134185 (cited by Labcorp Genetics (formerly Invitae), Labcorp); PubMed 27730413 (cited by Labcorp Genetics (formerly Invitae), Labcorp).